The following is an entry in ClinVar:

ClinVar aggregate classification (germline): Uncertain significance (1 of 4 stars; one submission).

Conditions:
Hereditary nonpolyposis colorectal neoplasms. Identifiers: MedGen C0009405, MeSH D003123.

Submission:

Labcorp Genetics (formerly Invitae), Labcorp
Classification: Uncertain significance for Hereditary nonpolyposis colorectal neoplasms. Last evaluated: 2020-03-17. Review status: criteria provided, single submitter. Criteria: Invitae Variant Classification Sherloc (09022015). Collection method: clinical testing. Allele origin: germline.
Comment: This variant has not been reported in the literature in individuals with MSH6-related conditions. In summary, the available evidence is currently insufficient to determine the role of this variant in disease. Therefore, it has been classified as a Variant of Uncertain Significance. Experimental studies and prediction algorithms are not available or were not evaluated, and the functional significance of this variant is currently unknown. This variant is not present in population databases (ExAC no frequency). This variant, c.3133_3138del, results in the deletion of 2 amino acid(s) of the MSH6 protein (p.Lys1045_Asp1046del), but otherwise preserves the integrity of the reading frame.

NM_000179.3(MSH6):c.3133_3138del (p.Lys1045_Asp1046del)

Gene: MSH6 (mutS homolog 6; plus strand). Cytogenetic location: 2p16.3.
Variant type: Deletion.
Coding change: c.3133_3138del on transcript NM_000179.3 (MANE Select); coding-DNA positions 3133 to 3138, 6 bases deleted (AAGGAC; older notation c.3133_3138delAAGGAC).
Protein change: p.Lys1045_Asp1046del.
Molecular consequence: inframe deletion.
Genome position (GRCh38, 1-based): chr2:47,801,116-47,801,121, AAGGAC deleted; deleting any 6 consecutive bases within chr2:47,801,114-47,801,121 gives the same sequence; the c. name uses the placement nearest the transcript's 3' end. VCF-style (leftmost placement, unchanged base first): chr2-47801113-TACAAGG-T. GRCh37 (hg19) VCF-style: chr2-48028252-TACAAGG-T.
Other names: c.2743_2748del, p.Lys915_Asp916del (NM_001281492.2); c.2227_2232del, p.Lys743_Asp744del (NM_001281493.2, NM_001281494.2).
Identifiers: ClinVar variation 1061579 (VCV001061579.9), dbSNP rs2104441817, ClinGen allele CA2499216119.